The following is an entry in ClinVar:

ClinVar aggregate classification (germline): Uncertain significance (1 of 4 stars; one submission).

Conditions:
Perlman syndrome (PRLMNS). Identifiers: Orphanet 2849, MedGen C0796113, MONDO:0009965, OMIM 267000.

Allele frequency attached by ClinVar (database versions not stated): gnomAD exomes 0.00001; TOPMed 0.00001; ExAC 0.00003; ESP Exome Variant Server 0.00008.
gnomAD v4.1: 3 of 1,613,966 alleles (0.00019%); highest among the groups gnomAD compares: African/African-American, 0.0027%; no homozygotes.

Submission:

Labcorp Genetics (formerly Invitae), Labcorp
Classification: Uncertain significance for Perlman syndrome. Last evaluated: 2023-09-13. Review status: criteria provided, single submitter. Criteria: Invitae Variant Classification Sherloc (09022015). Collection method: clinical testing. Allele origin: germline.
Comment: This sequence change replaces lysine, which is basic and polar, with glutamic acid, which is acidic and polar, at codon 321 of the DIS3L2 protein (p.Lys321Glu). This variant is present in population databases (rs375508407, gnomAD 0.02%). This variant has not been reported in the literature in individuals affected with DIS3L2-related conditions. ClinVar contains an entry for this variant (Variation ID: 662372). Advanced modeling of protein sequence and biophysical properties (such as structural, functional, and spatial information, amino acid conservation, physicochemical variation, residue mobility, and thermodynamic stability) performed at Invitae indicates that this missense variant is not expected to disrupt DIS3L2 protein function. In summary, the available evidence is currently insufficient to determine the role of this variant in disease. Therefore, it has been classified as a Variant of Uncertain Significance.

NM_152383.5(DIS3L2):c.961A>G (p.Lys321Glu)

Gene: DIS3L2 (DIS3 like 3'-5' exoribonuclease 2; plus strand). Cytogenetic location: 2q37.1.
Variant type: single nucleotide variant.
Coding change: c.961A>G on transcript NM_152383.5 (MANE Select); coding-DNA position 961, A replaced by G.
Protein change: p.Lys321Glu; replaces lysine 321 with glutamic acid.
Molecular consequence: missense variant. On other transcripts: non-coding transcript variant (2).
Genome position (GRCh38, 1-based): chr2:232,163,469, A>G. VCF-style: chr2-232163469-A-G. GRCh37 (hg19) VCF-style: chr2-233028179-A-G.
Other names: c.961A>G, p.Lys321Glu (NM_001257281.2); short protein forms K321E.
Identifiers: ClinVar variation 662372 (VCV000662372.10), dbSNP rs375508407, ClinGen allele CA2163988.